The following is an entry in ClinVar:

NM_000138.5(FBN1):c.7455T>G (p.Asp2485Glu)

Gene: FBN1 (fibrillin 1; minus strand). Cytogenetic location: 15q21.1.
Variant type: single nucleotide variant.
Coding change: c.7455T>G on transcript NM_000138.5 (MANE Select); coding-DNA position 7455, T replaced by G.
Protein change: p.Asp2485Glu; replaces aspartic acid 2485 with glutamic acid.
Molecular consequence: missense variant.
Genome position (GRCh38, 1-based): chr15:48,422,067, A>C on the plus strand (T>G on the coding strand, the complement: FBN1 is on the minus strand). VCF-style: chr15-48422067-A-C. GRCh37 (hg19) VCF-style: chr15-48714264-A-C.
Other names: short protein forms D2485E.
Identifiers: ClinVar variation 923954 (VCV000923954.41), dbSNP rs377272529, ClinGen allele CA058647.
Genomic context (GRCh38, chr15:48,422,067, plus strand): 5'-GCCAATGGTGTTAACACATAGGAACTGGCAGTTGTGTTGCTTGGTTGCACACTCATCAAG[A>C]TCTACAAGAAAATGCAAGAGAGGCATTTGAGTCAAGCCAACAAAACAGGATCAGGGAAGC-3'
Protein context (NP_000129.3, residues 2475-2495): ILQEDGRSCK[Asp2485Glu]LDECATKQHN

ClinVar aggregate classification (germline): Uncertain significance. Review status: criteria provided, multiple submitters, no conflicts (2 of 4 stars). 7 submissions from 7 submitters: Uncertain significance (7). Last evaluated 2026-01-14.

Conditions:
Familial thoracic aortic aneurysm and aortic dissection (TAAD). Also called: Thoracic aortic aneurysms and dissections. Identifiers: Orphanet 91387, MedGen C4707243, MONDO:0019625.
Ectopia lentis 1, isolated, autosomal dominant (ECTOL1). Identifiers: Orphanet 1885, MedGen C3541518, MONDO:0007514, OMIM 129600.
Stiff skin syndrome (SSKS). Identifiers: Orphanet 2833, MedGen C1861456, MONDO:0008492, OMIM 184900.
MASS syndrome (OCTD). Also called: MASS PHENOTYPE; OVERLAP CONNECTIVE TISSUE DISEASE. Identifiers: MedGen C1858556, MONDO:0011431, OMIM 604308.
Acromicric dysplasia (ACMICD). Also called: Acromicric skeletal dysplasia. Identifiers: Orphanet 969, MedGen C0265287, MONDO:0007055, OMIM 102370.
Marfan syndrome (MFS). Also called: Marfan syndrome type 1; Marfan's syndrome; FBN1-Related Marfan Syndrome; MARFAN SYNDROME, TYPE I; Marfan syndrome, classic. Identifiers: Orphanet 284963, Orphanet 558, MedGen C0024796, MONDO:0007947, OMIM 154700.
Weill-Marchesani syndrome 2, dominant. Also called: Weill-Marchesani Syndrome, Autosomal Dominant; FBN1-Related Weill-Marchesani Syndrome. Identifiers: Orphanet 2084, MedGen C1869115, MONDO:0012013, OMIM 608328.
Geleophysic dysplasia 2 (GPHYSD2). Identifiers: Orphanet 2623, MedGen C3280054, MONDO:0013612, OMIM 614185.
Progeroid and marfanoid aspect-lipodystrophy syndrome. Also called: MARFANOID-PROGEROID SYNDROME; MARFAN-PROGEROID-LIPODYSTROPHY SYNDROME; Marfan lipodystrophy syndrome; MARFANOID-PROGEROID-LIPODYSTROPHY SYNDROME. Identifiers: Orphanet 300382, MedGen C4310796, MONDO:0014831, OMIM 616914.

Allele frequency attached by ClinVar (database versions not stated): gnomAD exomes 0.00001 and 0.00004; ExAC 0.00004; TOPMed 0.00008; gnomAD 0.00013 and 0.00014; ESP Exome Variant Server 0.00015; 1000 Genomes Project 0.00020; 1000 Genomes Project 30x 0.00031.
gnomAD v4.1: 31 of 1,608,586 alleles (0.0019%); highest among the groups gnomAD compares: African/African-American, 0.041%; no homozygotes.

Submissions (7):

Labcorp Genetics (formerly Invitae), Labcorp
Classification: Uncertain significance for Marfan syndrome; Familial thoracic aortic aneurysm and aortic dissection. Last evaluated: 2026-01-14. Review status: criteria provided, single submitter. Criteria: Invitae Variant Classification Sherloc (09022015). Collection method: clinical testing. Allele origin: germline.
Comment: This sequence change replaces aspartic acid, which is acidic and polar, with glutamic acid, which is acidic and polar, at codon 2485 of the FBN1 protein (p.Asp2485Glu). This variant is present in population databases (rs377272529, gnomAD 0.05%). This variant has not been reported in the literature in individuals affected with FBN1-related conditions. ClinVar contains an entry for this variant (Variation ID: 923954). An algorithm developed to predict the effect of missense changes on protein structure and function (PolyPhen-2) suggests that this variant is likely to be disruptive. This variant disrupts the p.Asp2485 amino acid residue in FBN1. Other variant(s) that disrupt this residue have been observed in individuals with FBN1-related conditions (PMID: 20886638, 36517271), which suggests that this may be a clinically significant amino acid residue. In summary, the available evidence is currently insufficient to determine the role of this variant in disease. Therefore, it has been classified as a Variant of Uncertain Significance.

Color Diagnostics, LLC DBA Color Health
Classification: Uncertain significance for Familial thoracic aortic aneurysm and aortic dissection. Last evaluated: 2024-02-09. Review status: criteria provided, single submitter. Criteria: ACMG Guidelines, 2015. Collection method: clinical testing. Allele origin: germline.
Comment: This missense variant replaces aspartic acid with glutamic acid at codon 2485 of the FBN1 protein. Computational prediction tools indicate that this variant has a deleterious impact on protein structure and function. To our knowledge, functional studies have not been reported for this variant. This variant has not been reported in individuals affected with FBN1-related disorders in the literature. This variant has been identified in 13/282454 chromosomes in the general population by the Genome Aggregation Database (gnomAD). The available evidence is insufficient to determine the role of this variant in disease conclusively. Therefore, this variant is classified as a Variant of Uncertain Significance.

CeGaT Center for Human Genetics Tuebingen
Classification: Uncertain significance. Last evaluated: 2023-11-01. Review status: criteria provided, single submitter. Criteria: CeGaT Center For Human Genetics Tuebingen Variant Classification Criteria Version 2. Collection method: clinical testing. Allele origin: germline. Affected: yes. Observed: 1 variant allele.
Comment: FBN1: PM5, PP3

All of Us Research Program, National Institutes of Health
Classification: Uncertain significance for Marfan syndrome. Last evaluated: 2023-06-28. Review status: criteria provided, single submitter. Criteria: ACMG Guidelines, 2015. Collection method: clinical testing. Allele origin: germline. Inheritance: Autosomal dominant inheritance. Observed: 1 variant allele, 1 heterozygote.
Comment: This missense variant replaces aspartic acid with glutamic acid at codon 2485 of the FBN1 protein. Computational prediction suggests that this variant may have deleterious impact on protein structure and function (internally defined REVEL score threshold >= 0.7, PMID: 27666373). Splice site prediction tools suggest that this variant may not impact RNA splicing. To our knowledge, functional studies have not been performed for this variant. This variant has not been reported in individuals affected with cardiovascular disorders in the literature. This variant has been identified in 13/282454 chromosomes (13/24966 African chromosomes) in the general population by the Genome Aggregation Database (gnomAD). The available evidence is insufficient to determine the role of this variant in disease conclusively. Therefore, this variant is classified as a Variant of Uncertain Significance.

This study involves interpretation of variants in research participants for the purpose of population health screening. Participant phenotype was not available at the time of variant classification. Additional details can be found in publication PMID: 35346344, PMCID: PMC8962531

GeneDx
Classification: Uncertain significance. Last evaluated: 2023-01-19. Review status: criteria provided, single submitter. Criteria: GeneDx Variant Classification Process June 2021. Collection method: clinical testing. Allele origin: germline. Affected: yes.
Comment: Has not been previously published as pathogenic or benign to our knowledge; In silico analysis supports that this missense variant has a deleterious effect on protein structure/function

Women's Health and Genetics/Laboratory Corporation of America, LabCorp
Classification: Uncertain significance. Last evaluated: 2022-11-28. Review status: criteria provided, single submitter. Criteria: LabCorp Variant Classification Summary - May 2015. Collection method: clinical testing. Allele origin: germline.
Comment: Variant summary: FBN1 c.7455T>G (p.Asp2485Glu) results in a conservative amino acid change located in the EGF-like calcium-binding domain (IPR001881) of the encoded protein sequence. Three of five in-silico tools predict a damaging effect of the variant on protein function. The variant allele was found at a frequency of 3.6e-05 in 251060 control chromosomes. The available data on variant occurrences in the general population are insufficient to allow any conclusion about variant significance. To our knowledge, no occurrence of c.7455T>G in individuals affected with Marfan Syndrome and no experimental evidence demonstrating its impact on protein function have been reported. Three clinical diagnostic laboratories have submitted clinical-significance assessments for this variant to ClinVar after 2014 without evidence for independent evaluation. All laboratories classified the variant as uncertain significance. Based on the evidence outlined above, the variant was classified as uncertain significance.

Fulgent Genetics
Classification: Uncertain significance for Acromicric dysplasia; Ectopia lentis 1, isolated, autosomal dominant; Marfan syndrome; Stiff skin syndrome; MASS syndrome; Weill-Marchesani syndrome 2, dominant; Geleophysic dysplasia 2; Progeroid and marfanoid aspect-lipodystrophy syndrome. Last evaluated: 2021-12-03. Review status: criteria provided, single submitter. Criteria: ACMG Guidelines, 2015. Collection method: clinical testing. Allele origin: unknown.

Literature cited by the submitters: PubMed 20886638 (cited by Labcorp Genetics (formerly Invitae), Labcorp); PubMed 36517271 (cited by Labcorp Genetics (formerly Invitae), Labcorp).